The following is an entry in ClinVar:

NM_001048174.2(MUTYH):c.1057_1064del (p.Gly353fs)

Gene: MUTYH (mutY DNA glycosylase; minus strand). Cytogenetic location: 1p34.1.
Variant type: Deletion.
Coding change: c.1057_1064del on transcript NM_001048174.2 (MANE Select); coding-DNA positions 1057 to 1064, 8 bases deleted (GGGGCCCT; older notation c.1057_1064delGGGGCCCT).
Protein change: p.Gly353fs; shifts the reading frame from glycine 353.
Molecular consequence: frameshift variant. On other transcripts: non-coding transcript variant (7).
Genome position (GRCh38, 1-based): chr1:45,331,699-45,331,706, AGGGCCCC deleted on the plus strand (GGGGCCCT on the coding strand, the reverse complement: MUTYH is on the minus strand); deleting any 8 consecutive bases within chr1:45,331,699-45,331,709 gives the same sequence; the c. name uses the placement nearest the transcript's 3' end. VCF-style (leftmost placement, unchanged base first): chr1-45331698-AAGGGCCCC-A. GRCh37 (hg19) VCF-style: chr1-45797370-AAGGGCCCC-A.
Other names: c.1141_1148delGGGGCCCT (NM_001128425.1); c.1057_1064del, p.Gly353fs (NM_001048171.2, NM_001048173.2, NM_001293195.2 and 6 more transcripts); c.1060_1067del, p.Gly354fs (NM_001048172.2, NM_001407071.1, NM_001407078.1 and 1 more transcripts); c.1141_1148del, p.Gly381fs (NM_001128425.2); c.1102_1109del, p.Gly368fs (NM_001293190.2); c.1090_1097del, p.Gly364fs (NM_001293191.2, NM_001407069.1, NM_001407077.1); c.781_788del, p.Gly261fs (NM_001293192.2, NM_001293196.2, NM_001407091.1); c.712_719del, p.Gly238fs (NM_001350650.2, NM_001350651.2, NM_001407082.1); and 6 more; short protein forms G353fs, G261fs, G325fs, G339fs, G364fs, G360fs, G367fs, G378fs.
Identifiers: ClinVar variation 3400148 (VCV003400148.2).

ClinVar aggregate classification (germline): Pathogenic/Likely pathogenic. Review status: criteria provided, multiple submitters, no conflicts (2 of 4 stars). 2 submissions from 2 submitters: Pathogenic (1); Likely pathogenic (1). Last evaluated 2024-10-10.

Conditions:
Hereditary cancer-predisposing syndrome. Also called: Tumor predisposition; Hereditary Cancer Syndrome; Hereditary neoplastic syndrome; Neoplastic Syndromes, Hereditary. Identifiers: Orphanet 140162, MedGen C0027672, MeSH D009386, MONDO:0015356.
Familial adenomatous polyposis 2. Also called: MUTYH Polyposis; COLORECTAL ADENOMATOUS POLYPOSIS, AUTOSOMAL RECESSIVE; ADENOMAS, MULTIPLE COLORECTAL, AUTOSOMAL RECESSIVE; MYH-associated polyposis; MUTYH-associated polyposis; MUTYH-related attenuated familial adenomatous polyposis. Identifiers: Orphanet 220460, Orphanet 247798, MedGen C3272841, MONDO:0012041, OMIM 608456.

Submissions (2):

Ambry Genetics
Classification: Pathogenic for Hereditary cancer-predisposing syndrome. Last evaluated: 2024-10-10. Review status: criteria provided, single submitter. Criteria: Ambry Variant Classification Scheme 2023. Collection method: clinical testing. Allele origin: germline.
Comment: The c.1141_1148delGGGGCCCT pathogenic mutation, located in coding exon 12 of the MUTYH gene, results from a deletion of 8 nucleotides at nucleotide positions 1141 to 1148, causing a translational frameshift with a predicted alternate stop codon (p.G381Wfs*148). This alteration occurs at the 3' terminus of theMUTYH gene, is not expected to trigger nonsense-mediated mRNA decay, and only impacts the last 31% of the protein. However, premature stop codons are typically deleterious in nature and the impacted region is critical for protein function (Ambry internal data). This variant is considered to be rare based on population cohorts in the Genome Aggregation Database (gnomAD). Based on the supporting evidence, this variant is interpreted as a disease-causing mutation.

Myriad Genetics, Inc.
Classification: Likely pathogenic for Familial adenomatous polyposis 2. Last evaluated: 2024-10-01. Review status: criteria provided, single submitter. Criteria: Myriad Autosomal Dominant, Autosomal Recessive and X-Linked Classification Criteria (2023). Collection method: clinical testing. Allele origin: unknown.
Comment: This variant is considered likely pathogenic. This variant creates a frameshift predicted to result in premature protein truncation.